The following is an entry in ClinVar:

NM_005591.4(MRE11):c.478G>A (p.Glu160Lys)

Gene: MRE11 (MRE11 double strand break repair nuclease; minus strand). Cytogenetic location: 11q21.
Variant type: single nucleotide variant.
Coding change: c.478G>A on transcript NM_005591.4 (MANE Select); coding-DNA position 478, G replaced by A.
Protein change: p.Glu160Lys; replaces glutamic acid 160 with lysine.
Molecular consequence: missense variant.
Genome position (GRCh38, 1-based): chr11:94,478,801, C>T on the plus strand (G>A on the coding strand, the complement: MRE11 is on the minus strand). VCF-style: chr11-94478801-C-T. GRCh37 (hg19) VCF-style: chr11-94211967-C-T.
Other names: c.478G>A, p.Glu160Lys (NM_001330347.2, NM_005590.4); short protein forms E160K.
Identifiers: ClinVar variation 1800424 (VCV001800424.2), dbSNP rs2135085469, ClinGen allele CA382377502.
Genomic context (GRCh38, chr11:94,478,801, plus strand): 5'-CATATAGCGCAATCTTTGTGCTTCCTTTTTGAAGCAAAACCGGACTAATGTCTATCTTCT[C>T]CACAGACATTGAACGTCCAAAGTGATTTACAAATCCAGCACAACTTAAAATGTCCAAGGC-3'
Protein context (NP_005582.1, residues 150-170): VNHFGRSMSV[Glu160Lys]KIDISPVLLQ

ClinVar aggregate classification (germline): Uncertain significance (1 of 4 stars; one submission).

Conditions:
Hereditary cancer-predisposing syndrome. Also called: Neoplastic Syndromes, Hereditary; Tumor predisposition; Hereditary Cancer Syndrome; Hereditary neoplastic syndrome. Identifiers: Orphanet 140162, MedGen C0027672, MeSH D009386, MONDO:0015356.

Submission:

Ambry Genetics
Classification: Uncertain significance for Hereditary cancer-predisposing syndrome. Last evaluated: 2019-12-27. Review status: criteria provided, single submitter. Criteria: Ambry Variant Classification Scheme 2023. Collection method: clinical testing. Allele origin: germline.
Comment: The p.E160K variant (also known as c.478G>A), located in coding exon 5 of the MRE11A gene, results from a G to A substitution at nucleotide position 478. The glutamic acid at codon 160 is replaced by lysine, an amino acid with similar properties. This amino acid position is highly conserved in available vertebrate species. In addition, the in silico prediction for this alteration is inconclusive. Since supporting evidence is limited at this time, the clinical significance of this alteration remains unclear.